The following is an entry in ClinVar:

NM_000334.4(SCN4A):c.4366G>T (p.Gly1456Trp)

Genes: GH-LCR (growth hormone locus control region; plus strand), SCN4A (sodium voltage-gated channel alpha subunit 4; minus strand). Cytogenetic location: 17q23.3.
Variant type: single nucleotide variant.
Coding change: c.4366G>T on transcript NM_000334.4 (MANE Select); coding-DNA position 4366, G replaced by T.
Protein change: p.Gly1456Trp; replaces glycine 1456 with tryptophan.
Molecular consequence: missense variant.
Genome position (GRCh38, 1-based): chr17:63,941,916, C>A on the plus strand (G>T on the coding strand, the complement: SCN4A is on the minus strand). VCF-style: chr17-63941916-C-A. GRCh37 (hg19) VCF-style: chr17-62019276-C-A.
Other names: short protein forms G1456W.
Identifiers: ClinVar variation 1333663 (VCV001333663.1), dbSNP rs2144774834, ClinGen allele CA400616153.

ClinVar aggregate classification (germline): Likely pathogenic (1 of 4 stars; one submission).

Conditions:
Hypokalemic periodic paralysis, type 2 (HOKPP2). Identifiers: Orphanet 681, MedGen C2750061, MONDO:0013234, OMIM 613345.

Submission:

3billion
Classification: Likely pathogenic for Hypokalemic periodic paralysis, type 2. Last evaluated: 2022-01-03. Review status: criteria provided, single submitter. Criteria: ACMG Guidelines, 2015. Collection method: clinical testing. Allele origin: germline. Affected: yes. Observed: 1 heterozygote.
Comment: A different missense change at the same codon has been reported as pathogenic/likely pathogenic with strong evidence (PMID:10369308, PMID:10727489, PMID:10369308, ClinVar ID:VCV000005915, PM5_M). In silico tool predictions suggest damaging effect of the variant on gene or gene product (REVEL: 0.908, 3CNET: 0.997, PP3_P). A missense variant is a common mechanism associated with Hypokalemic periodic paralysis (PP2_P). It is not observed in the gnomAD v2.1.1 dataset (PM2_M). Therefore, this variant is classified as likely pathogenic according to the recommendation of ACMG/AMP guideline.

Literature cited by the submitters: PubMed 10727489; PubMed 10369308.